The following is an entry in ClinVar:

ClinVar aggregate classification (germline): Likely benign. Review status: criteria provided, multiple submitters, no conflicts (2 of 4 stars). 5 submissions from 5 submitters: Likely benign (5). Last evaluated 2025-08-06.

Conditions:
CHARGE syndrome (CHARGE). Also called: Hittner Hirsch Kreh syndrome; CHARGE ASSOCIATION--COLOBOMA, HEART ANOMALY, CHOANAL ATRESIA, RETARDATION, GENITAL AND EAR ANOMALIES; Coloboma, heart anomaly, choanal atresia, retardation, genital and ear anomalies; CHARGE association; Hall-Hittner syndrome. Identifiers: Orphanet 138, MedGen C0265354, MONDO:0008965.
CHD7-related disorder. Also called: CHD7-related condition.

Allele frequency attached by ClinVar (database versions not stated): gnomAD exomes 0.00002 and 0.00003; ExAC 0.00004.
gnomAD v4.1: 19 of 1,611,664 alleles (0.0012%); highest among the groups gnomAD compares: Admixed American, 0.0017%; no homozygotes.

Submissions (5):

PreventionGenetics, part of Exact Sciences
Classification: Likely benign for CHD7-related condition. Last evaluated: 2025-08-06. Review status: criteria provided, single submitter. Criteria: ACMG Guidelines, 2015. Collection method: clinical testing. Allele origin: germline.
Comment: This variant is classified as likely benign based on ACMG/AMP sequence variant interpretation guidelines (Richards et al. 2015 PMID: 25741868, with internal and published modifications).

CeGaT Center for Human Genetics Tuebingen
Classification: Likely benign. Last evaluated: 2025-02-01. Review status: criteria provided, single submitter. Criteria: CeGaT Center For Human Genetics Tuebingen Variant Classification Criteria Version 2. Collection method: clinical testing. Allele origin: germline. Affected: yes. Observed: 1 variant allele.
Comment: CHD7: BP4, BP7

Labcorp Genetics (formerly Invitae), Labcorp
Classification: Likely benign for CHARGE syndrome. Last evaluated: 2024-01-01. Review status: criteria provided, single submitter. Criteria: Invitae Variant Classification Sherloc (09022015). Collection method: clinical testing. Allele origin: germline.

Blueprint Genetics
Classification: Likely benign. Last evaluated: 2022-01-03. Review status: criteria provided, single submitter. Criteria: ACMG Guidelines, 2015. Collection method: clinical testing. Allele origin: germline.

GeneDx
Classification: Likely benign. Last evaluated: 2020-04-03. Review status: criteria provided, single submitter. Criteria: GeneDx Variant Classification Process June 2021. Collection method: clinical testing. Allele origin: germline. Affected: yes.

NM_017780.4(CHD7):c.7023T>C (p.Asp2341=)

Gene: CHD7 (chromodomain helicase DNA binding protein 7; plus strand). Cytogenetic location: 8q12.2.
Variant type: single nucleotide variant.
Coding change: c.7023T>C on transcript NM_017780.4 (MANE Select); coding-DNA position 7023, T replaced by C.
Protein change: p.Asp2341=; no amino-acid change (aspartic acid 2341 retained).
Molecular consequence: synonymous variant. On other transcripts: intron variant (1).
Genome position (GRCh38, 1-based): chr8:60,856,061, T>C. VCF-style: chr8-60856061-T-C. GRCh37 (hg19) VCF-style: chr8-61768620-T-C.
Other names: c.7023T>C (NM_017780.3); c.1717-6168T>C (NM_001316690.1).
Identifiers: ClinVar variation 1125219 (VCV001125219.24), dbSNP rs572098274, ClinGen allele CA4760726.